The following is an entry in ClinVar:

NM_000138.5(FBN1):c.6373_6379+1dup

Gene: FBN1 (fibrillin 1; minus strand). Cytogenetic location: 15q21.1.
Variant type: Duplication.
Coding change: c.6373_6379+1dup on transcript NM_000138.5 (MANE Select); coding-DNA position 6373 through the canonical splice donor site of the intron after coding-DNA position 6379, 8 bases duplicated (GCAGTTGG; older notation c.6373_6379+1dupGCAGTTGG).
Molecular consequence: splice donor variant.
Genome position (GRCh38, 1-based): chr15:48,437,321-48,437,328, CCAACTGC duplicated on the plus strand (GCAGTTGG on the coding strand, the reverse complement: FBN1 is on the minus strand). VCF-style (leftmost placement, unchanged base first): chr15-48437320-A-ACCAACTGC. GRCh37 (hg19) VCF-style: chr15-48729517-A-ACCAACTGC.
Other names: c.6373_6379+1dup (NM_001406716.1).
Identifiers: ClinVar variation 2944456 (VCV002944456.3), dbSNP rs2505436797, ClinGen allele CA2740096623.

ClinVar aggregate classification (germline): Likely pathogenic (1 of 4 stars; one submission).

Conditions:
Marfan syndrome (MFS). Also called: MARFAN SYNDROME, TYPE I; Marfan syndrome type 1; Marfan's syndrome; Marfan syndrome, classic; FBN1-Related Marfan Syndrome. Identifiers: Orphanet 284963, Orphanet 558, MedGen C0024796, MONDO:0007947, OMIM 154700.
Familial thoracic aortic aneurysm and aortic dissection (TAAD). Also called: Thoracic aortic aneurysms and dissections. Identifiers: Orphanet 91387, MedGen C4707243, MONDO:0019625.

Submission:

Labcorp Genetics (formerly Invitae), Labcorp
Classification: Likely pathogenic for Marfan syndrome; Familial thoracic aortic aneurysm and aortic dissection. Last evaluated: 2023-07-25. Review status: criteria provided, single submitter. Criteria: Invitae Variant Classification Sherloc (09022015). Collection method: clinical testing. Allele origin: germline.
Comment: This sequence change affects a splice site in intron 52 of the FBN1 gene. It is expected to disrupt RNA splicing. Variants that disrupt the donor or acceptor splice site typically lead to a loss of protein function (PMID: 16199547), and loss-of-function variants in FBN1 are known to be pathogenic (PMID: 17657824, 19293843). This variant is not present in population databases (gnomAD no frequency). Disruption of this splice site has been observed in individual(s) with FBN1-related conditions (Invitae). Algorithms developed to predict the effect of sequence changes on RNA splicing suggest that this variant may disrupt the consensus splice site. In summary, the currently available evidence indicates that the variant is pathogenic, but additional data are needed to prove that conclusively. Therefore, this variant has been classified as Likely Pathogenic.

Literature cited by the submitters: PubMed 16199547; PubMed 17657824; PubMed 19293843.